The following is an entry in ClinVar:

NM_144997.7(FLCN):c.598C>T (p.Leu200Phe)

Gene: FLCN (folliculin; minus strand). Cytogenetic location: 17p11.2.
Variant type: single nucleotide variant.
Coding change: c.598C>T on transcript NM_144997.7 (MANE Select); coding-DNA position 598, C replaced by T.
Protein change: p.Leu200Phe; replaces leucine 200 with phenylalanine.
Molecular consequence: missense variant.
Genome position (GRCh38, 1-based): chr17:17,223,942, G>A on the plus strand (C>T on the coding strand, the complement: FLCN is on the minus strand). VCF-style: chr17-17223942-G-A. GRCh37 (hg19) VCF-style: chr17-17127256-G-A.
Other names: c.652C>T, p.Leu218Phe (NM_001353229.2); c.598C>T, p.Leu200Phe (NM_001353230.2, NM_001353231.2, NM_144606.7); short protein forms L218F, L200F.
Identifiers: ClinVar variation 826098 (VCV000826098.16), dbSNP rs1229735191, ClinGen allele CA398534211.

ClinVar aggregate classification (germline): Uncertain significance. Review status: criteria provided, multiple submitters, no conflicts (2 of 4 stars). 5 submissions from 4 submitters: Uncertain significance (5). Last evaluated 2026-03-10.

Conditions:
Birt-Hogg-Dube syndrome. Also called: Birt Hogg Dubé syndrome. Identifiers: Orphanet 122, MedGen C0346010, MONDO:0800444.
17p11.2 microduplication syndrome (PTLS). Also called: CHROMOSOME 17p11.2 DUPLICATION SYNDROME; Potocki-Lupski syndrome; Duplication 17p11.2 syndrome; Potocki-Lupski syndrome (dup(17)(p11.2p11.2)). Identifiers: Orphanet 1713, MedGen C2931246, MONDO:0012574, OMIM 610883.
Nonpapillary renal cell carcinoma. Identifiers: Orphanet 422526, MedGen CN074294, MONDO:0007763, OMIM 144700.
Familial spontaneous pneumothorax (PSP). Identifiers: Orphanet 2903, MedGen C1868193, MONDO:0008259, OMIM 173600.
Colorectal cancer. Also called: Colorectal cancer, somatic; Malignant Colorectal Neoplasm. Identifiers: MedGen C0346629, MONDO:0005575, OMIM 114500.
Hereditary cancer-predisposing syndrome. Also called: Hereditary Cancer Syndrome; Tumor predisposition; Neoplastic Syndromes, Hereditary; Hereditary neoplastic syndrome. Identifiers: Orphanet 140162, MedGen C0027672, MeSH D009386, MONDO:0015356.

Allele frequency attached by ClinVar (database versions not stated): gnomAD exomes below 0.00001.

Submissions (5):

Ambry Genetics
Classification: Uncertain significance for Hereditary cancer-predisposing syndrome. Last evaluated: 2026-03-10. Review status: criteria provided, single submitter. Criteria: Ambry Variant Classification Scheme 2023. Collection method: clinical testing. Allele origin: germline.

Labcorp Genetics (formerly Invitae), Labcorp
Classification: Uncertain significance for Birt-Hogg-Dube syndrome. Last evaluated: 2025-12-09. Review status: criteria provided, single submitter. Criteria: Invitae Variant Classification Sherloc (09022015). Collection method: clinical testing. Allele origin: germline.
Comment: This sequence change replaces leucine, which is neutral and non-polar, with phenylalanine, which is neutral and non-polar, at codon 200 of the FLCN protein (p.Leu200Phe). The frequency data for this variant in the population databases is considered unreliable, as metrics indicate poor data quality at this position in the gnomAD database. This variant has not been reported in the literature in individuals affected with FLCN-related conditions. ClinVar contains an entry for this variant (Variation ID: 826098). Invitae Evidence Modeling of protein sequence and biophysical properties (such as structural, functional, and spatial information, amino acid conservation, physicochemical variation, residue mobility, and thermodynamic stability) indicates that this missense variant is expected to disrupt FLCN protein function with a positive predictive value of 80%. In summary, the available evidence is currently insufficient to determine the role of this variant in disease. Therefore, it has been classified as a Variant of Uncertain Significance.

Fulgent Genetics
Classification: Uncertain significance for Colorectal cancer; Birt-Hogg-Dube syndrome 1; Nonpapillary renal cell carcinoma; Familial spontaneous pneumothorax; 17p11.2 microduplication syndrome. Last evaluated: 2021-10-25. Review status: criteria provided, single submitter. Criteria: ACMG Guidelines, 2015. Collection method: clinical testing. Allele origin: unknown.

Illumina Laboratory Services, Illumina
Classification: Uncertain significance for Birt-Hogg-Dube syndrome 1. Last evaluated: 2018-01-13. Review status: criteria provided, single submitter. Criteria: ICSL Variant Classification Criteria 13 December 2019. Collection method: clinical testing. Allele origin: germline.

Illumina Laboratory Services, Illumina
Classification: Uncertain significance for Familial spontaneous pneumothorax. Last evaluated: 2018-01-13. Review status: criteria provided, single submitter. Criteria: ICSL Variant Classification Criteria 13 December 2019. Collection method: clinical testing. Allele origin: germline.